The following is an entry in ClinVar:

ClinVar aggregate classification (germline): Pathogenic (1 of 4 stars; one submission).

Conditions:
Early-infantile DEE. Also called: Early infantile epileptic encephalopathy; Early infantile epileptic encephalopathy with suppression bursts; Ohtahara syndrome. Identifiers: Orphanet 1934, MedGen C0393706, MONDO:0800491.

Submission:

Labcorp Genetics (formerly Invitae), Labcorp
Classification: Pathogenic for Early-infantile DEE. Last evaluated: 2024-01-25. Review status: criteria provided, single submitter. Criteria: Invitae Variant Classification Sherloc (09022015). Collection method: clinical testing. Allele origin: germline.
Comment: This variant, c.833_835del, results in the deletion of 1 amino acid(s) of the GNAO1 protein (p.Lys278del), but otherwise preserves the integrity of the reading frame. This variant is not present in population databases (gnomAD no frequency). This variant has been observed in individual(s) with clinical features of developmental and epileptic encephalopathy (PMID: 28252636; Invitae). In at least one individual the variant was observed to be de novo. ClinVar contains an entry for this variant (Variation ID: 859141). Experimental studies and prediction algorithms are not available or were not evaluated, and the functional significance of this variant is currently unknown. For these reasons, this variant has been classified as Pathogenic.

Literature cited by the submitters: PubMed 28252636.

NM_020988.3(GNAO1):c.830AGA[1] (p.Lys278del)

Gene: GNAO1 (G protein subunit alpha o1; plus strand). Cytogenetic location: 16q13.
Variant type: Microsatellite.
Coding change: c.830AGA[1] on transcript NM_020988.3 (MANE Select); one copy of the 3-base unit AGA starting at c.830; the reference has two copies in a row; one copy, 3 bases deleted.
Protein change: p.Lys278del; deletes lysine 278.
Molecular consequence: inframe deletion.
Genome position (GRCh38, 1-based): chr16:56,351,493-56,351,495, AGA deleted; deleting any 3 consecutive bases within chr16:56,351,490-56,351,495 gives the same sequence; the position shown is the placement nearest the transcript's 3' end. VCF-style (leftmost placement, unchanged base first): chr16-56351489-GAGA-G. GRCh37 (hg19) VCF-style: chr16-56385401-GAGA-G.
Other names: short protein forms K278del.
Identifiers: ClinVar variation 859141 (VCV000859141.11), dbSNP rs2037920791, ClinGen allele CA916083494.